The following is an entry in ClinVar:

NM_001999.4(FBN2):c.6415C>T (p.Pro2139Ser)

Gene: FBN2 (fibrillin 2; minus strand). Cytogenetic location: 5q23.3.
Variant type: single nucleotide variant.
Coding change: c.6415C>T on transcript NM_001999.4 (MANE Select); coding-DNA position 6415, C replaced by T.
Protein change: p.Pro2139Ser; replaces proline 2139 with serine.
Molecular consequence: missense variant.
Genome position (GRCh38, 1-based): chr5:128,290,762, G>A on the plus strand (C>T on the coding strand, the complement: FBN2 is on the minus strand). VCF-style: chr5-128290762-G-A. GRCh37 (hg19) VCF-style: chr5-127626454-G-A.
Other names: short protein forms P2139S.
Identifiers: ClinVar variation 1366395 (VCV001366395.8), dbSNP rs1266965965, ClinGen allele CA360763541.

ClinVar aggregate classification (germline): Uncertain significance (1 of 4 stars; one submission).

Conditions:
Congenital contractural arachnodactyly (CCA). Also called: Beals-Hecht syndrome; BEALS SYNDROME; Arthrogryposis, distal, type 9. Identifiers: Orphanet 115, MedGen C0220668, MONDO:0007363, OMIM 121050.

Allele frequency attached by ClinVar (database versions not stated): gnomAD exomes below 0.00001 and 0.00001; TOPMed below 0.00001.
gnomAD v4.1: 3 of 1,614,086 alleles (0.00019%); highest among the groups gnomAD compares: Non-Finnish European, 0.00025%; no homozygotes.

Submission:

Labcorp Genetics (formerly Invitae), Labcorp
Classification: Uncertain significance for Congenital contractural arachnodactyly. Last evaluated: 2022-03-18. Review status: criteria provided, single submitter. Criteria: Invitae Variant Classification Sherloc (09022015). Collection method: clinical testing. Allele origin: germline.
Comment: In summary, the available evidence is currently insufficient to determine the role of this variant in disease. Therefore, it has been classified as a Variant of Uncertain Significance. Algorithms developed to predict the effect of missense changes on protein structure and function (SIFT, PolyPhen-2, Align-GVGD) all suggest that this variant is likely to be tolerated. This variant has not been reported in the literature in individuals affected with FBN2-related conditions. This variant is present in population databases (no rsID available, gnomAD 0.0009%). This sequence change replaces proline, which is neutral and non-polar, with serine, which is neutral and polar, at codon 2139 of the FBN2 protein (p.Pro2139Ser).